The following is an entry in ClinVar:

NC_000002.11:g.(?_48030537)_(48034014_?)del

Gene: MSH6 (mutS homolog 6; plus strand). Cytogenetic location: 2p16.3.
Variant type: Deletion.
Identifiers: ClinVar variation 2422539 (VCV002422539.4).

ClinVar aggregate classification (germline): Pathogenic (1 of 4 stars; one submission).

Conditions:
Hereditary nonpolyposis colorectal neoplasms. Identifiers: MedGen C0009405, MeSH D003123.

Submission:

Labcorp Genetics (formerly Invitae), Labcorp
Classification: Pathogenic for Hereditary nonpolyposis colorectal neoplasms. Last evaluated: 2021-12-13. Review status: criteria provided, single submitter. Criteria: Invitae Variant Classification Sherloc (09022015). Collection method: clinical testing. Allele origin: germline.
Comment: This variant is a gross deletion of the genomic region encompassing exon(s) 5-10 of the MSH6 gene, which includes the termination codon. This deletion extends beyond the assayed region for this gene and therefore may encompass additional genes. While this deletion is not anticipated to lead to nonsense mediated decay, it is expected to alter mRNA translation or result in a truncated protein product. This variant has not been reported in the literature in individuals affected with MSH6-related conditions. This variant disrupts a region of the MSH6 protein in which other variant(s) (p.Leu1330Valfs*12) have been determined to be pathogenic (PMID: 14520694, 15236168, 16237223, 19851887, 21155762, 26440929). This suggests that this is a clinically significant region of the protein, and that variants that disrupt it are likely to be disease-causing. For these reasons, this variant has been classified as Pathogenic.

Literature cited by the submitters: PubMed 14520694; PubMed 15236168; PubMed 16237223; PubMed 19851887; PubMed 21155762; PubMed 26440929.